The following is an entry in ClinVar:

NM_001110556.2(FLNA):c.1964G>A (p.Arg655His)

Gene: FLNA (filamin A; minus strand). Cytogenetic location: Xq28.
Variant type: single nucleotide variant.
Coding change: c.1964G>A on transcript NM_001110556.2 (MANE Select); coding-DNA position 1964, G replaced by A.
Protein change: p.Arg655His; replaces arginine 655 with histidine.
Molecular consequence: missense variant.
Genome position (GRCh38, 1-based): chrX:154,364,584, C>T on the plus strand (G>A on the coding strand, the complement: FLNA is on the minus strand). VCF-style: chrX-154364584-C-T. GRCh37 (hg19) VCF-style: chrX-153592952-C-T.
Other names: c.1964G>A, p.Arg655His (NM_001456.4); short protein forms R655H.
Identifiers: ClinVar variation 422764 (VCV000422764.55), dbSNP rs782563602, ClinGen allele CA10561041.

ClinVar aggregate classification (germline): Conflicting classifications of pathogenicity. Review status: criteria provided, conflicting classifications (1 of 4 stars). 9 submissions from 9 submitters: Uncertain significance (5); Benign (1); Likely benign (3). Last evaluated 2026-01-14.

Conditions:
Melnick-Needles syndrome (MNS). Also called: MELNICK-NEEDLES OSTEODYSPLASTY; OSTEODYSPLASTY OF MELNICK AND NEEDLES; Melnick-Needles Syndrome (FLNA-MNS). Identifiers: Orphanet 2484, MedGen C0025237, MONDO:0010650, OMIM 309350.
Oto-palato-digital syndrome, type II (OPD2). Also called: OPD II SYNDROME; Otopalatodigital Syndrome Type 2 (FLNA-OPD2); FACIOPALATOOSSEOUS SYNDROME; Otopalatodigital Syndrome, Type II. Identifiers: Orphanet 669, Orphanet 90652, MedGen C1844696, MONDO:0010571, OMIM 304120.
Frontometaphyseal dysplasia (FMD1). Identifiers: Orphanet 1826, MedGen C0265293, MONDO:0015942.
Heterotopia, periventricular, X-linked dominant (PVNH1). Also called: PERIVENTRICULAR NODULAR HETEROTOPIA 1; X-linked periventricular heterotopia; PERIVENTRICULAR NODULAR HETEROTOPIA 4; HETEROTOPIA, PERIVENTRICULAR, 1. Identifiers: Orphanet 2149, Orphanet 82004, MedGen C1848213, MONDO:0010233, OMIM 300049.
FLNA-related disorder.
Familial thoracic aortic aneurysm and aortic dissection (TAAD). Also called: Thoracic aortic aneurysms and dissections. Identifiers: Orphanet 91387, MedGen C4707243, MONDO:0019625.

Allele frequency attached by ClinVar (database versions not stated): ExAC 0.00001; TOPMed 0.00003; gnomAD 0.00004; gnomAD exomes 0.00004 and 0.00005.

Submissions (9):

Labcorp Genetics (formerly Invitae), Labcorp
Classification: Benign for Oto-palato-digital syndrome, type II; Heterotopia, periventricular, X-linked dominant; Frontometaphyseal dysplasia; Melnick-Needles syndrome. Last evaluated: 2026-01-14. Review status: criteria provided, single submitter. Criteria: Invitae Variant Classification Sherloc (09022015). Collection method: clinical testing. Allele origin: germline.

CeGaT Center for Human Genetics Tuebingen
Classification: Likely benign. Last evaluated: 2025-11-01. Review status: criteria provided, single submitter. Criteria: CeGaT Center For Human Genetics Tuebingen Variant Classification Criteria Version 2. Collection method: clinical testing. Allele origin: germline. Affected: yes. Observed: 2 variant alleles.
Comment: FLNA: BS2

PreventionGenetics, part of Exact Sciences
Classification: Uncertain significance for FLNA-related condition. Last evaluated: 2025-02-26. Review status: criteria provided, single submitter. Criteria: ACMG Guidelines, 2015. Collection method: clinical testing. Allele origin: germline.
Comment: The FLNA c.1964G>A variant is predicted to result in the amino acid substitution p.Arg655His. To our knowledge, this variant has not been reported in the literature. This variant is reported in 0.025% of alleles in individuals of Latino descent in gnomAD. Although we suspect that this variant may be benign, at this time, the clinical significance of this variant is uncertain due to the absence of conclusive functional and genetic evidence.

Ambry Genetics
Classification: Likely benign for Familial thoracic aortic aneurysm and aortic dissection. Last evaluated: 2024-04-28. Review status: criteria provided, single submitter. Criteria: Ambry Variant Classification Scheme 2023. Collection method: clinical testing. Allele origin: germline.

GeneDx
Classification: Likely benign. Last evaluated: 2023-03-21. Review status: criteria provided, single submitter. Criteria: GeneDx Variant Classification Process June 2021. Collection method: clinical testing. Allele origin: germline. Affected: yes.
Comment: See Variant Classification Assertion Criteria.

Johns Hopkins Genomics, Johns Hopkins University
Classification: Uncertain significance. Last evaluated: 2020-12-07. Review status: criteria provided, single submitter. Criteria: ACMG Guidelines, 2015. Collection method: clinical testing. Allele origin: germline.
Comment: This FLNA variant (rs782563602) is rare (<0.1%) in a large population dataset (gnomAD: 8/202666 total alleles; 0.004%; no homozygotes) and has not been reported in the literature, to our knowledge. This variant has been reported in ClinVar. Of three bioinformatics tools queried, two predicts that the substitution would be damaging, while one predicts that it would be tolerated. The arginine residue at this position is evolutionarily conserved across most mammals assessed. We consider the clinical significance of c.1964G>A to be uncertain at this time.

Genetic Services Laboratory, University of Chicago
Classification: Uncertain significance. Last evaluated: 2020-01-14. Review status: criteria provided, single submitter. Criteria: ACMG Guidelines, 2015. Collection method: clinical testing. Allele origin: germline. Affected: no.
Comment: DNA sequence analysis of the FLNA gene demonstrated a sequence change, c.1964G>A, in exon 13 that results in an amino acid change, p.Arg655His. This sequence change does not appear to have been previously described in patients with FLNA-related disorders and has been described in the gnomAD database with a frequency of 0.025% in Latino populations (dbSNP rs782563602). The p.Arg655His change affects a moderately conserved amino acid residue located in a domain of the FLNA protein that is known to be functional. In-silico pathogenicity prediction tools (SIFT, PolyPhen2, Align GVGD, REVEL) provide contradictory results for the p.Arg655His substitution. Due to these contrasting evidences and the lack of functional studies, the clinical significance of the p.Arg655His change remains unknown at this time.

ARUP Laboratories, Molecular Genetics and Genomics, ARUP Laboratories
Classification: Uncertain significance. Last evaluated: 2017-12-12. Review status: criteria provided, single submitter. Criteria: ARUP Molecular Germline Variant Investigation Process. Collection method: clinical testing. Allele origin: germline.

Eurofins Ntd Llc (ga)
Classification: Uncertain significance. Last evaluated: 2017-08-17. Review status: criteria provided, single submitter. Criteria: EGL Classification Definitions 2015. Collection method: clinical testing. Allele origin: germline. Observed: 1 variant allele, 1 heterozygote.